The following is an entry in ClinVar:

ClinVar aggregate classification (germline): Benign. Review status: criteria provided, multiple submitters, no conflicts (2 of 4 stars). 2 submissions from 2 submitters: Benign (2). Last evaluated 2018-06-14.

Allele frequency attached by ClinVar (database versions not stated): gnomAD 0.09518 and 0.09939; TOPMed 0.09890; 1000 Genomes Project 30x 0.12367; 1000 Genomes Project 0.12700.
gnomAD v4.1: 163,866 of 1,479,776 alleles (11%); highest among the groups gnomAD compares: South Asian, 16%; 9,686 homozygotes.

Submissions (2):

GeneDx
Classification: Benign. Last evaluated: 2018-06-14. Review status: criteria provided, single submitter. Criteria: GeneDx Variant Classification (06012015). Collection method: clinical testing. Allele origin: germline. Affected: yes.
Comment: This variant is considered likely benign or benign based on one or more of the following criteria: it is a conservative change, it occurs at a poorly conserved position in the protein, it is predicted to be benign by multiple in silico algorithms, and/or has population frequency not consistent with disease.

Breakthrough Genomics
Classification: Benign. Review status: criteria provided, single submitter. Criteria: ACMG Guidelines, 2015. Collection method: not provided. Allele origin: germline. Inheritance: Autosomal dominant inheritance. Affected: yes.

NM_005619.5(RTN2):c.1241+60C>T

Genes: OPA3-RTN2 (OPA3-RTN2 readthrough; minus strand), RTN2 (reticulon 2; minus strand). Cytogenetic location: 19q13.32.
Variant type: single nucleotide variant.
Coding change: c.1241+60C>T on transcript NM_005619.5 (MANE Select); 60 bases into the intron after coding-DNA position 1241, C replaced by T.
Molecular consequence: intron variant.
Genome position (GRCh38, 1-based): chr19:45,489,286, G>A on the plus strand (C>T on the coding strand, the complement: RTN2 is on the minus strand). VCF-style: chr19-45489286-G-A. GRCh37 (hg19) VCF-style: chr19-45992544-G-A.
Other names: c.1022+60C>T (NM_206900.3); c.221+60C>T (NM_206901.3).
Identifiers: ClinVar variation 677524 (VCV000677524.2), dbSNP rs45548637, ClinGen allele CA14690628.